The following is an entry in ClinVar:

ClinVar aggregate classification (germline): Uncertain significance (1 of 4 stars; one submission).

Conditions:
Shashi-Pena syndrome (SHAPNS). Identifiers: Orphanet 689408, MedGen C4310672, MONDO:0014963, OMIM 617190.

Submission:

MVZ Medizinische Genetik Mainz
Classification: Uncertain significance for Shashi-Pena syndrome. Last evaluated: 2024-01-05. Review status: criteria provided, single submitter. Criteria: UK Practice Guidelines For Variant Classification V4 01 2020. Collection method: clinical testing. Allele origin: germline. Inheritance: Autosomal dominant inheritance. Affected: yes. Observed: 1 variant allele.
Comment: ACMG Criteria: PP3_MOD,PM2_SUP

NM_018263.6(ASXL2):c.4262G>C (p.Cys1421Ser)

Gene: ASXL2 (ASXL transcriptional regulator 2; minus strand). Cytogenetic location: 2p23.3.
Variant type: single nucleotide variant.
Coding change: c.4262G>C on transcript NM_018263.6 (MANE Select); coding-DNA position 4262, G replaced by C.
Protein change: p.Cys1421Ser; replaces cysteine 1421 with serine.
Molecular consequence: missense variant.
Genome position (GRCh38, 1-based): chr2:25,742,075, C>G on the plus strand (G>C on the coding strand, the complement: ASXL2 is on the minus strand). VCF-style: chr2-25742075-C-G. GRCh37 (hg19) VCF-style: chr2-25964944-C-G.
Other names: c.4088G>C, p.Cys1363Ser (NM_001369346.1); c.3482G>C, p.Cys1161Ser (NM_001369347.1); short protein forms C1161S, C1363S, C1421S.
Identifiers: ClinVar variation 3066241 (VCV003066241.1), dbSNP rs2465302041, ClinGen allele CA346073532.
Genomic context (GRCh38, chr2:25,742,075, plus strand): 5'-TCTTTCTAGTCTCATTACCGAACGACAAGGCAGGAGACGCACAGTTTGGAGGGGCCGATG[C>G]AATCATCATGGCAGAAAGCGCCACAGCCTTTGCACATGATCATGGCTTTCAAGCGGCAGT-3'
Protein context (NP_060733.4, residues 1411-1431): KGCGAFCHDD[Cys1421Ser]IGPSKLCVSC